The following is an entry in ClinVar:

NM_000051.4(ATM):c.3917G>C (p.Ser1306Thr)

Gene: ATM (ATM serine/threonine kinase; plus strand). Cytogenetic location: 11q22.3.
Variant type: single nucleotide variant.
Coding change: c.3917G>C on transcript NM_000051.4 (MANE Select); coding-DNA position 3917, G replaced by C.
Protein change: p.Ser1306Thr; replaces serine 1306 with threonine.
Molecular consequence: missense variant.
Genome position (GRCh38, 1-based): chr11:108,284,397, G>C. VCF-style: chr11-108284397-G-C. GRCh37 (hg19) VCF-style: chr11-108155124-G-C.
Other names: c.3917G>C, p.Ser1306Thr (NM_001351834.2); short protein forms S1306T.
Identifiers: ClinVar variation 489543 (VCV000489543.5), dbSNP rs1555093629, ClinGen allele CA382525768.

ClinVar aggregate classification (germline): Uncertain significance (1 of 4 stars; one submission).

Conditions:
Hereditary cancer-predisposing syndrome. Also called: Hereditary Cancer Syndrome; Neoplastic Syndromes, Hereditary; Tumor predisposition; Hereditary neoplastic syndrome. Identifiers: Orphanet 140162, MedGen C0027672, MeSH D009386, MONDO:0015356.

Submission:

Color Diagnostics, LLC DBA Color Health
Classification: Uncertain significance for Hereditary cancer-predisposing syndrome. Last evaluated: 2023-12-05. Review status: criteria provided, single submitter. Criteria: ACMG Guidelines, 2015. Collection method: clinical testing. Allele origin: germline.
Comment: This missense variant replaces serine with threonine at codon 1306 of the ATM protein. Computational prediction suggests that this variant may not impact protein structure and function (internally defined REVEL score threshold <= 0.5, PMID: 27666373). To our knowledge, functional studies have not been reported for this variant. This variant has not been reported in individuals affected with ATM-related disorders in the literature. This variant has not been identified in the general population by the Genome Aggregation Database (gnomAD). The available evidence is insufficient to determine the role of this variant in disease conclusively. Therefore, this variant is classified as a Variant of Uncertain Significance.